The following is an entry in ClinVar:

ClinVar aggregate classification (germline): Uncertain significance. Review status: criteria provided, multiple submitters, no conflicts (2 of 4 stars). 2 submissions from 2 submitters: Uncertain significance (2). Last evaluated 2025-11-24.

Conditions:
Cardiovascular phenotype. Identifiers: MedGen CN230736.

gnomAD v4.1: 4 of 1,614,204 alleles (0.00025%); highest among the groups gnomAD compares: South Asian, 0.0033%; no homozygotes.

Submissions (2):

Ambry Genetics
Classification: Uncertain significance for Cardiovascular phenotype. Last evaluated: 2025-11-24. Review status: criteria provided, single submitter. Criteria: Ambry Variant Classification Scheme 2023. Collection method: clinical testing. Allele origin: germline.
Comment: The p.S1749P variant (also known as c.5245T>C), located in coding exon 12 of the ALPK3 gene, results from a T to C substitution at nucleotide position 5245. The serine at codon 1749 is replaced by proline, an amino acid with similar properties. This amino acid position is conserved. In addition, this alteration is predicted to be tolerated by in silico analysis. Based on the available evidence, the clinical significance of this variant remains unclear.

Labcorp Genetics (formerly Invitae), Labcorp
Classification: Uncertain significance. Last evaluated: 2025-11-21. Review status: criteria provided, single submitter. Criteria: Invitae Variant Classification Sherloc (09022015). Collection method: clinical testing. Allele origin: germline.
Comment: This sequence change replaces serine, which is neutral and polar, with proline, which is neutral and non-polar, at codon 1749 of the ALPK3 protein (p.Ser1749Pro). This variant is present in population databases (rs753418329, gnomAD 0.01%). This variant has not been reported in the literature in individuals affected with ALPK3-related conditions. Invitae Evidence Modeling of protein sequence and biophysical properties (such as structural, functional, and spatial information, amino acid conservation, physicochemical variation, residue mobility, and thermodynamic stability) indicates that this missense variant is not expected to disrupt ALPK3 protein function with a negative predictive value of 80%. In summary, the available evidence is currently insufficient to determine the role of this variant in disease. Therefore, it has been classified as a Variant of Uncertain Significance.

NM_020778.5(ALPK3):c.4639T>C (p.Ser1547Pro)

Gene: ALPK3 (alpha kinase 3; plus strand). Cytogenetic location: 15q25.3.
Variant type: single nucleotide variant.
Coding change: c.4639T>C on transcript NM_020778.5 (MANE Select); coding-DNA position 4639, T replaced by C.
Protein change: p.Ser1547Pro; replaces serine 1547 with proline.
Molecular consequence: missense variant.
Genome position (GRCh38, 1-based): chr15:84,864,581, T>C. VCF-style: chr15-84864581-T-C. GRCh37 (hg19) VCF-style: chr15-85407812-T-C.
Other names: short protein forms S1547P.
Identifiers: ClinVar variation 4613519 (VCV004613519.2).